The following is an entry in ClinVar:

ClinVar aggregate classification (germline): Likely benign (1 of 4 stars; one submission).

Allele frequency attached by ClinVar (database versions not stated): 1000 Genomes Project 30x 0.00016; 1000 Genomes Project 0.00020; gnomAD 0.00086; TOPMed 0.00094; gnomAD exomes 0.00104.
gnomAD v4.1: 711 of 704,710 alleles (0.1%); highest among the groups gnomAD compares: Non-Finnish European, 0.15%; 2 homozygotes.

Submission:

CeGaT Center for Human Genetics Tuebingen
Classification: Likely benign. Last evaluated: 2026-08-01. Review status: criteria provided, single submitter. Criteria: CeGaT Center For Human Genetics Tuebingen Variant Classification Criteria Version 2. Collection method: clinical testing. Allele origin: germline. Affected: yes. Observed: 15 variant alleles.
Comment: MEN1: BP4, BP7, BS1

NM_001370259.2(MEN1):c.1050-180C>T

Gene: MEN1 (menin 1; minus strand). Cytogenetic location: 11q13.1.
Variant type: single nucleotide variant.
Coding change: c.1050-180C>T on transcript NM_001370259.2 (MANE Select); 180 bases into the intron before coding-DNA position 1050, C replaced by T.
Molecular consequence: intron variant. On other transcripts: synonymous variant (6).
Genome position (GRCh38, 1-based): chr11:64,805,950, G>A on the plus strand (C>T on the coding strand, the complement: MEN1 is on the minus strand). VCF-style: chr11-64805950-G-A. GRCh37 (hg19) VCF-style: chr11-64573422-G-A.
Other names: c.1113C>T, p.Pro371= (NM_001370251.2, NM_001407142.1, NM_001407143.1 and 1 more transcripts); c.1128C>T, p.Pro376= (NM_001407150.1); c.1008C>T, p.Pro336= (NM_001407151.1); c.1065-180C>T (NM_130804.3, NM_130803.3, NM_000244.4 and 4 more transcripts); c.945-180C>T (NM_001407148.1, NM_001407149.1, NM_001370263.2 and 1 more transcripts); c.1050-180C>T (NM_130799.3, NM_001370260.2, NM_001407152.1 and 3 more transcripts).
Identifiers: ClinVar variation 2641932 (VCV002641932.24), dbSNP rs543714198, ClinGen allele CA223914201.